The following is an entry in ClinVar:

NM_000532.5(PCCB):c.202G>A (p.Glu68Lys)

Gene: PCCB (propionyl-CoA carboxylase subunit beta; plus strand). Cytogenetic location: 3q22.3.
Variant type: single nucleotide variant.
Coding change: c.202G>A on transcript NM_000532.5 (MANE Select); coding-DNA position 202, G replaced by A.
Protein change: p.Glu68Lys; replaces glutamic acid 68 with lysine.
Molecular consequence: missense variant.
Genome position (GRCh38, 1-based): chr3:136,255,874, G>A. VCF-style: chr3-136255874-G-A. GRCh37 (hg19) VCF-style: chr3-135974716-G-A.
Other names: c.202G>A, p.Glu68Lys (NM_001178014.2); short protein forms E68K.
Identifiers: ClinVar variation 1513429 (VCV001513429.4), dbSNP rs2108137296, ClinGen allele CA354738387.
Genomic context (GRCh38, chr3:136,255,874, plus strand): 5'-TGTCTGTGATGACATCACTGAGTGATCTTTGTTCCATTGTAGGGAAAGCTAACAGCCAGG[G>A]AGAGGATCAGTCTCTTGCTGGACCCTGGCAGCTTTGTTGAGAGCGACATGTTTGTGGAAC-3'
Protein context (NP_000523.2, residues 58-78): QHKRGKLTAR[Glu68Lys]RISLLLDPGS

ClinVar aggregate classification (germline): Uncertain significance (1 of 4 stars; one submission).

Conditions:
Propionic acidemia (PROP). Also called: GLYCINEMIA, KETOTIC; HYPERGLYCINEMIA WITH KETOACIDOSIS AND LEUKOPENIA; KETOTIC HYPERGLYCINEMIA. Identifiers: Orphanet 35, MedGen C0268579, MONDO:0011628, OMIM 606054, HP:0003571.

gnomAD v4.1: 1 of 1,614,048 alleles (0.000062%); highest among the groups gnomAD compares: Non-Finnish European, 0.000085%; no homozygotes.

Submission:

Labcorp Genetics (formerly Invitae), Labcorp
Classification: Uncertain significance for Propionic acidemia. Last evaluated: 2022-06-08. Review status: criteria provided, single submitter. Criteria: Invitae Variant Classification Sherloc (09022015). Collection method: clinical testing. Allele origin: germline.
Comment: This sequence change replaces glutamic acid, which is acidic and polar, with lysine, which is basic and polar, at codon 68 of the PCCB protein (p.Glu68Lys). In summary, the available evidence is currently insufficient to determine the role of this variant in disease. Therefore, it has been classified as a Variant of Uncertain Significance. Advanced modeling of protein sequence and biophysical properties (such as structural, functional, and spatial information, amino acid conservation, physicochemical variation, residue mobility, and thermodynamic stability) performed at Invitae indicates that this missense variant is expected to disrupt PCCB protein function. This variant has not been reported in the literature in individuals affected with PCCB-related conditions. This variant is not present in population databases (gnomAD no frequency).